The following is an entry in ClinVar:

NM_000702.4(ATP1A2):c.1589A>G (p.Glu530Gly)

Gene: ATP1A2 (ATPase Na+/K+ transporting subunit alpha 2; plus strand). Cytogenetic location: 1q23.2.
Variant type: single nucleotide variant.
Coding change: c.1589A>G on transcript NM_000702.4 (MANE Select); coding-DNA position 1589, A replaced by G.
Protein change: p.Glu530Gly; replaces glutamic acid 530 with glycine.
Molecular consequence: missense variant.
Genome position (GRCh38, 1-based): chr1:160,130,229, A>G. VCF-style: chr1-160130229-A-G. GRCh37 (hg19) VCF-style: chr1-160100019-A-G.
Other names: short protein forms E530G.
Identifiers: ClinVar variation 1466711 (VCV001466711.6), dbSNP rs201296747, ClinGen allele CA1194534.

ClinVar aggregate classification (germline): Uncertain significance (1 of 4 stars; one submission).

Conditions:
Familial hemiplegic migraine. Identifiers: MedGen C0338484, MONDO:0000700.

Allele frequency attached by ClinVar (database versions not stated): gnomAD 0.00001 and 0.00003; ExAC 0.00002; gnomAD exomes 0.00002; TOPMed 0.00002; 1000 Genomes Project 0.00020; 1000 Genomes Project 30x 0.00031.
gnomAD v4.1: 16 of 1,614,184 alleles (0.00099%); highest among the groups gnomAD compares: East Asian, 0.025%; no homozygotes.

Submission:

Labcorp Genetics (formerly Invitae), Labcorp
Classification: Uncertain significance for Familial hemiplegic migraine. Last evaluated: 2024-04-05. Review status: criteria provided, single submitter. Criteria: Invitae Variant Classification Sherloc (09022015). Collection method: clinical testing. Allele origin: germline.
Comment: This sequence change replaces glutamic acid, which is acidic and polar, with glycine, which is neutral and non-polar, at codon 530 of the ATP1A2 protein (p.Glu530Gly). This variant is present in population databases (rs201296747, gnomAD 0.01%). This variant has not been reported in the literature in individuals affected with ATP1A2-related conditions. ClinVar contains an entry for this variant (Variation ID: 1466711). Advanced modeling of protein sequence and biophysical properties (such as structural, functional, and spatial information, amino acid conservation, physicochemical variation, residue mobility, and thermodynamic stability) performed at Invitae indicates that this missense variant is not expected to disrupt ATP1A2 protein function with a negative predictive value of 80%. In summary, the available evidence is currently insufficient to determine the role of this variant in disease. Therefore, it has been classified as a Variant of Uncertain Significance.